The following is an entry in ClinVar:

NM_023935.3(DDRGK1):c.557A>G (p.His186Arg)

Gene: DDRGK1 (DDRGK domain containing 1; minus strand). Cytogenetic location: 20p13.
Variant type: single nucleotide variant.
Coding change: c.557A>G on transcript NM_023935.3 (MANE Select); coding-DNA position 557, A replaced by G.
Protein change: p.His186Arg; replaces histidine 186 with arginine.
Molecular consequence: missense variant.
Genome position (GRCh38, 1-based): chr20:3,195,307, T>C on the plus strand (A>G on the coding strand, the complement: DDRGK1 is on the minus strand). VCF-style: chr20-3195307-T-C. GRCh37 (hg19) VCF-style: chr20-3175953-T-C.
Other names: c.557A>G (NM_023935.1); short protein forms H186R.
Identifiers: ClinVar variation 1968866 (VCV001968866.6), dbSNP rs756718469, ClinGen allele CA9740872.

ClinVar aggregate classification (germline): Uncertain significance. Review status: criteria provided, multiple submitters, no conflicts (2 of 4 stars). 2 submissions from 2 submitters: Uncertain significance (2). Last evaluated 2025-02-22.

Conditions:
Inborn genetic diseases. Identifiers: MedGen C0950123, MeSH D030342.

Allele frequency attached by ClinVar (database versions not stated): TOPMed below 0.00001; ExAC 0.00001; gnomAD 0.00001; gnomAD exomes 0.00003.
gnomAD v4.1: 39 of 1,612,910 alleles (0.0024%); highest among the groups gnomAD compares: Non-Finnish European, 0.0031%; no homozygotes.

Submissions (2):

Ambry Genetics
Classification: Uncertain significance for Inborn genetic diseases. Last evaluated: 2025-02-22. Review status: criteria provided, single submitter. Criteria: Ambry Variant Classification Scheme 2023. Collection method: clinical testing. Allele origin: germline.

Labcorp Genetics (formerly Invitae), Labcorp
Classification: Uncertain significance. Last evaluated: 2022-04-18. Review status: criteria provided, single submitter. Criteria: Invitae Variant Classification Sherloc (09022015). Collection method: clinical testing. Allele origin: germline.
Comment: In summary, the available evidence is currently insufficient to determine the role of this variant in disease. Therefore, it has been classified as a Variant of Uncertain Significance. This sequence change replaces histidine, which is basic and polar, with arginine, which is basic and polar, at codon 186 of the DDRGK1 protein (p.His186Arg). This variant is present in population databases (rs756718469, gnomAD 0.002%). This variant has not been reported in the literature in individuals affected with DDRGK1-related conditions. Algorithms developed to predict the effect of missense changes on protein structure and function are either unavailable or do not agree on the potential impact of this missense change (SIFT: "Not Available"; PolyPhen-2: "Probably Damaging"; Align-GVGD: "Not Available").